The following is an entry in ClinVar:

ClinVar aggregate classification (germline): Pathogenic. Review status: reviewed by expert panel (3 of 4 stars). 3 submissions from 3 submitters: Pathogenic (1). 2 of the submissions do not count toward it. Last evaluated 2018-04-01.

Conditions:
Breast-ovarian cancer, familial, susceptibility to, 2 (BROVCA2). Also called: BRCA2 Hereditary Breast and Ovarian Cancer. Identifiers: Orphanet 145, MedGen C2675520, MONDO:0012933, OMIM 612555. Disease mechanism: loss of function.
Hereditary cancer-predisposing syndrome. Also called: Hereditary Cancer Syndrome; Neoplastic Syndromes, Hereditary; Tumor predisposition; Hereditary neoplastic syndrome. Identifiers: Orphanet 140162, MedGen C0027672, MeSH D009386, MONDO:0015356.

Submissions (3):

Evidence-based Network for the Interpretation of Germline Mutant Alleles (ENIGMA)
Classification: Pathogenic for Breast-ovarian cancer, familial, susceptibility to, 2. Last evaluated: 2018-04-01. Review status: reviewed by expert panel. Criteria: ENIGMA BRCA1/2 Classification Criteria (2017-06-29). Collection method: curation. Allele origin: germline.
Comment: Complete skipping of exon 3 (r.68_316del) in a minigene splicing assay. Molecular consequence is the same as other variants designated as pathogenic as determined by multifactorial likelihood analysis (PMID: 29707112). Specifically, pathogenic consequence of the in-frame transcript without exon 3 has been shown in another family with a deletion of this exon, by co-segregation analysis with LR >1300:1 in favour of pathogenicity (PMID: 29707112).

Ambry Genetics
Classification: Likely pathogenic for Hereditary cancer-predisposing syndrome. Last evaluated: 2024-04-23. Review status: criteria provided, single submitter. Criteria: Ambry Variant Classification Scheme 2023. Collection method: clinical testing. Allele origin: germline. Not counted in ClinVar's aggregate classification.
Comment: The c.316+1G>T intronic variant results from a G to T substitution one nucleotide after coding exon 2 of the BRCA2 gene. Alterations that disrupt the canonical splice site are expected to result in aberrant splicing. In silico splice site analysis predicts that this alteration will weaken the native splice donor site. The resulting transcript is predicted to be in-frame and is not expected to trigger nonsense-mediated mRNAdecay; however, direct evidence is unavailable. The exact functional effect of the altered amino acid sequence is unknown; however, the impacted region is critical for protein function (Ambry internal data). This variant was identified in 5 individuals from 1 families in a Norwegian HBOC cohort (Heramb C et al. Hered Cancer Clin Pract, 2018 Jan;16:3). This variant demonstrated total exon 3 (coding exon 2) skipping quantified by fluorescent RT-PCR (Caputo SM et al. Am J Hum Genet, 2021 Oct;108:1907-1923). This variant is considered to be rare based on population cohorts in the Genome Aggregation Database (gnomAD). This nucleotide position is well conserved in available vertebrate species. Based on the majority of available evidence to date, this variant is likely to be pathogenic.

Department of Medical Genetics, Oslo University Hospital
Classification: Pathogenic for Breast-ovarian cancer, familial, susceptibility to, 2. Last evaluated: 2017-01-20. Review status: criteria provided, single submitter. Criteria: ACMG Guidelines, 2015. Collection method: clinical testing. Allele origin: germline. Affected: yes. Observed: 5 variant alleles. Not counted in ClinVar's aggregate classification.

Literature cited by the submitters: PubMed 29707112 (cited by Evidence-based Network for the Interpretation of Germline Mutant Alleles (ENIGMA)); PubMed 29339979 (cited by Ambry Genetics); PubMed 34597585 (cited by Ambry Genetics).

NM_000059.4(BRCA2):c.316+1G>T

Gene: BRCA2 (BRCA2 DNA repair associated; plus strand). Cytogenetic location: 13q13.1.
Variant type: single nucleotide variant.
Coding change: c.316+1G>T on transcript NM_000059.4 (MANE Select); the canonical splice donor site of the intron after coding-DNA position 316, G replaced by T.
Molecular consequence: splice donor variant.
Genome position (GRCh38, 1-based): chr13:32,319,326, G>T. VCF-style: chr13-32319326-G-T. GRCh37 (hg19) VCF-style: chr13-32893463-G-T.
Other names: c.316+1G>T (NM_001406720.1, NM_001406719.1, NM_001406721.1); c.-54+1G>T (NM_001406722.1).
Identifiers: ClinVar variation 185890 (VCV000185890.11), dbSNP rs397507303, ClinGen allele CA017366.
Genomic context (GRCh38, chr13:32,319,326, plus strand): 5'-TGACTCTGCCGCTGTACCAATCTCCTGTAAAAGAATTAGATAAATTCAAATTAGACTTAG[G>T]TAAGTAATGCAATATGGTAGACTGGGGAGAACTACAAACTAGGAATTTAGGCAAACCTGT-3'